The following is an entry in ClinVar:

NM_001876.4(CPT1A):c.693+1G>A

Gene: CPT1A (carnitine palmitoyltransferase 1A; minus strand). Cytogenetic location: 11q13.3.
Variant type: single nucleotide variant.
Coding change: c.693+1G>A on transcript NM_001876.4 (MANE Select); the canonical splice donor site of the intron after coding-DNA position 693, G replaced by A.
Molecular consequence: splice donor variant.
Genome position (GRCh38, 1-based): chr11:68,799,217, C>T on the plus strand (G>A on the coding strand, the complement: CPT1A is on the minus strand). VCF-style: chr11-68799217-C-T. GRCh37 (hg19) VCF-style: chr11-68566685-C-T.
Other names: c.693+1G>A (NM_001031847.3).
Identifiers: ClinVar variation 946554 (VCV000946554.17), dbSNP rs1055176086, ClinGen allele CA381635164.
Genomic context (GRCh38, chr11:68,799,217, plus strand): 5'-TCAAAATTAGCGTCTTCATACGGAAAAATTTCATCAAGAAAAACTGTGTATACAGACTTA[C>T]GTAATTTGTAGCCCACCAGGATTTTAACTTCAAATACCACTGTAATCTTGGTCCAAGACC-3'

ClinVar aggregate classification (germline): Pathogenic/Likely pathogenic. Review status: criteria provided, multiple submitters, no conflicts (2 of 4 stars). 5 submissions from 5 submitters: Pathogenic (1); Likely pathogenic (3). 1 of the submissions does not count toward it. Last evaluated 2025-05-04.

Conditions:
Carnitine palmitoyl transferase 1A deficiency. Also called: CPT deficiency, hepatic, type IA; CPT I DEFICIENCY; CPT DEFICIENCY, HEPATIC, TYPE I; Carnitine palmitoyltransferase 1A deficiency; Carnitine palmitoyltransferase type I deficiency. Identifiers: Orphanet 156, MedGen C1829703, MONDO:0009705, OMIM 255120.

Allele frequency attached by ClinVar (database versions not stated): gnomAD exomes below 0.00001.
gnomAD v4.1: 20 of 1,613,362 alleles (0.0012%); highest among the groups gnomAD compares: East Asian, 0.0022%; no homozygotes.

Submissions (5):

GeneDx
Classification: Likely pathogenic. Last evaluated: 2025-05-04. Review status: criteria provided, single submitter. Criteria: GeneDx Variant Classification Process June 2021. Collection method: clinical testing. Allele origin: germline. Affected: yes.
Comment: Reported in an individual with CPT1A deficiency in published literature (PMID: 34869124); Canonical splice site variant predicted to result in an in-frame loss of the adjacent exon in a gene for which loss of function is a known mechanism of disease; Not observed at significant frequency in large population cohorts (gnomAD); This variant is associated with the following publications: (PMID: 33845545, 16169268, 30887117, 34869124, 33072985)

Fulgent Genetics
Classification: Likely pathogenic for Carnitine palmitoyl transferase 1A deficiency. Last evaluated: 2024-06-20. Review status: criteria provided, single submitter. Criteria: ACMG Guidelines, 2015. Collection method: clinical testing. Allele origin: germline.

Labcorp Genetics (formerly Invitae), Labcorp
Classification: Likely pathogenic for Carnitine palmitoyl transferase 1A deficiency. Last evaluated: 2024-02-17. Review status: criteria provided, single submitter. Criteria: Invitae Variant Classification Sherloc (09022015). Collection method: clinical testing. Allele origin: germline.
Comment: This sequence change affects a donor splice site in intron 6 of the CPT1A gene. It is expected to disrupt RNA splicing. Variants that disrupt the donor or acceptor splice site typically lead to a loss of protein function (PMID: 16199547), and loss-of-function variants in CPT1A are known to be pathogenic (PMID: 16169268). This variant is not present in population databases (gnomAD no frequency). Disruption of this splice site has been observed in individual(s) with carnitine palmitoyltransferase 1A deficiency (PMID: 33845545). ClinVar contains an entry for this variant (Variation ID: 946554). Algorithms developed to predict the effect of sequence changes on RNA splicing suggest that this variant may disrupt the consensus splice site. In summary, the currently available evidence indicates that the variant is pathogenic, but additional data are needed to prove that conclusively. Therefore, this variant has been classified as Likely Pathogenic.

3billion
Classification: Pathogenic for Carnitine palmitoyl transferase 1A deficiency. Last evaluated: 2023-06-01. Review status: criteria provided, single submitter. Criteria: ACMG Guidelines, 2015. Collection method: clinical testing. Allele origin: germline. Affected: yes.
Comment: The variant is observed at an extremely low frequency in the gnomAD v2.1.1 dataset (total allele frequency: <0.001%). Predicted Consequence/Location: Canonical splice site: predicted to alter splicing and result in a loss or disruption of normal protein function. Multiple pathogenic loss-of-function variants are reported downstream of the variant. The variant has been reported at least twice as pathogenic without evidence for the classification (ClinVar ID: VCV000946554 /PMID: 33845545). Therefore, this variant is classified as Pathogenic according to the recommendation of ACMG/AMP guideline.

Natera, Inc.
Classification: Likely pathogenic for Carnitine palmitoyltransferase type I deficiency. Last evaluated: 2020-03-30. Review status: no assertion criteria provided. Collection method: clinical testing. Allele origin: germline. Not counted in ClinVar's aggregate classification.

Literature cited by the submitters: PubMed 16199547 (cited by Labcorp Genetics (formerly Invitae), Labcorp); PubMed 16169268 (cited by Labcorp Genetics (formerly Invitae), Labcorp); PubMed 33845545 (cited by Labcorp Genetics (formerly Invitae), Labcorp and 3billion).